The following is an entry in ClinVar:

ClinVar aggregate classification (germline): Uncertain significance (1 of 4 stars; one submission).

Allele frequency attached by ClinVar (database versions not stated): gnomAD exomes below 0.00001; TOPMed below 0.00001; ExAC 0.00001.
gnomAD v4.1: 1 of 1,613,774 alleles (0.000062%); highest among the groups gnomAD compares: South Asian, 0.0011%; no homozygotes.

Submission:

Labcorp Genetics (formerly Invitae), Labcorp
Classification: Uncertain significance. Last evaluated: 2022-09-13. Review status: criteria provided, single submitter. Criteria: Invitae Variant Classification Sherloc (09022015). Collection method: clinical testing. Allele origin: germline.
Comment: In summary, the available evidence is currently insufficient to determine the role of this variant in disease. Therefore, it has been classified as a Variant of Uncertain Significance. Algorithms developed to predict the effect of missense changes on protein structure and function are either unavailable or do not agree on the potential impact of this missense change (SIFT: "Tolerated"; PolyPhen-2: "Not Available"; Align-GVGD: "Class C0"). This variant has not been reported in the literature in individuals affected with PCLO-related conditions. This variant is present in population databases (rs751348710, gnomAD 0.003%). This sequence change replaces isoleucine, which is neutral and non-polar, with valine, which is neutral and non-polar, at codon 2237 of the PCLO protein (p.Ile2237Val).

NM_033026.6(PCLO):c.6709A>G (p.Ile2237Val)

Gene: PCLO (piccolo presynaptic cytomatrix protein; minus strand). Cytogenetic location: 7q21.11.
Variant type: single nucleotide variant.
Coding change: c.6709A>G on transcript NM_033026.6 (MANE Select); coding-DNA position 6709, A replaced by G.
Protein change: p.Ile2237Val; replaces isoleucine 2237 with valine.
Molecular consequence: missense variant.
Genome position (GRCh38, 1-based): chr7:82,954,244, T>C on the plus strand (A>G on the coding strand, the complement: PCLO is on the minus strand). VCF-style: chr7-82954244-T-C. GRCh37 (hg19) VCF-style: chr7-82583560-T-C.
Other names: c.6709A>G, p.Ile2237Val (NM_014510.3); short protein forms I2237V.
Identifiers: ClinVar variation 1965287 (VCV001965287.5), dbSNP rs751348710, ClinGen allele CA4320422.
Genomic context (GRCh38, chr7:82,954,244, plus strand): 5'-CTCTACCATCTGGTGGGGCAGTCCGATCTAAAGATACACTTATTTCTTCTGGATAGTCTA[T>C]AATGCTGCCTGGAAAATAAGTTGATGAAGAAATTTCCTCAGAATCTTCAAATTTAGTTAT-3'
Protein context (NP_149015.2, residues 2227-2247): SSSTYFPGSI[Ile2237Val]DYPEEISVSL